The following is an entry in ClinVar:

ClinVar aggregate classification (germline): Uncertain significance (1 of 4 stars; one submission).

Submission:

Labcorp Genetics (formerly Invitae), Labcorp
Classification: Uncertain significance. Last evaluated: 2022-03-19. Review status: criteria provided, single submitter. Criteria: Invitae Variant Classification Sherloc (09022015). Collection method: clinical testing. Allele origin: germline.
Comment: In summary, the available evidence is currently insufficient to determine the role of this variant in disease. Therefore, it has been classified as a Variant of Uncertain Significance. Algorithms developed to predict the effect of missense changes on protein structure and function are either unavailable or do not agree on the potential impact of this missense change (SIFT: "Deleterious"; PolyPhen-2: "Not Available"; Align-GVGD: "Class C0"). This variant has not been reported in the literature in individuals affected with CLTC-related conditions. This variant is not present in population databases (gnomAD no frequency). This sequence change replaces leucine, which is neutral and non-polar, with tryptophan, which is neutral and slightly polar, at codon 1562 of the CLTC protein (p.Leu1562Trp).

NM_004859.4(CLTC):c.4673T>G (p.Leu1558Trp)

Gene: CLTC (clathrin heavy chain; plus strand). Cytogenetic location: 17q23.1.
Variant type: single nucleotide variant.
Coding change: c.4673T>G on transcript NM_004859.4 (MANE Select); coding-DNA position 4673, T replaced by G.
Protein change: p.Leu1558Trp; replaces leucine 1558 with tryptophan.
Molecular consequence: missense variant.
Genome position (GRCh38, 1-based): chr17:59,685,654, T>G. VCF-style: chr17-59685654-T-G. GRCh37 (hg19) VCF-style: chr17-57763015-T-G.
Other names: c.4685T>G, p.Leu1562Trp (NM_001288653.2); short protein forms L1558W, L1562W.
Identifiers: ClinVar variation 1423349 (VCV001423349.8), dbSNP rs2143602208, ClinGen allele CA400422645.